The following is an entry in ClinVar:

ClinVar aggregate classification (germline): Conflicting classifications of pathogenicity. Review status: criteria provided, conflicting classifications (1 of 4 stars). 5 submissions from 5 submitters: Uncertain significance (4); Likely benign (1). Last evaluated 2026-02-18.

Conditions:
SCN11A-related disorder. Also called: SCN11A-related condition.
Hereditary sensory and autonomic neuropathy type 7. Also called: HSAN VII; Neuropathy, hereditary sensory and autonomic, type VII. Identifiers: Orphanet 391397, MedGen C3809882, MONDO:0014244, OMIM 615548.
Familial episodic pain syndrome with predominantly lower limb involvement. Also called: Episodic pain syndrome, familial, 3. Identifiers: Orphanet 391384, Orphanet 391392, MedGen C3809899, MONDO:0014247, OMIM 615552.
Inborn genetic diseases. Identifiers: MedGen C0950123, MeSH D030342.

Allele frequency attached by ClinVar (database versions not stated): ExAC 0.00002; gnomAD exomes 0.00004 and 0.00010; gnomAD 0.00005; TOPMed 0.00005.
gnomAD v4.1: 148 of 1,613,552 alleles (0.0092%); highest among the groups gnomAD compares: Non-Finnish European, 0.012%; 1 homozygote.

Submissions (5):

PreventionGenetics, part of Exact Sciences
Classification: Uncertain significance for SCN11A-related condition. Last evaluated: 2026-02-18. Review status: criteria provided, single submitter. Criteria: ACMG Guidelines, 2015. Collection method: clinical testing. Allele origin: germline.
Comment: The SCN11A c.3014G>A variant is predicted to result in premature protein termination (p.Trp1005*). To our knowledge, this variant has not been reported in the literature. This variant is reported in 0.012% of alleles in individuals of Latino descent in gnomAD. Gain-of-function variants in this gene have been associated with disease; it is yet unclear whether or not loss-of-function variants have any effect on phenotype (Zhang et al. 2013. PubMed ID: 24207120). Many loss-of-function variants in SCN11A have been reported in the gnomAD database, indicating these variants are likely not causative for autosomal dominant disorders (pLI=0). At this time, the clinical significance of this variant is uncertain due to the absence of conclusive functional and genetic evidence.

Labcorp Genetics (formerly Invitae), Labcorp
Classification: Uncertain significance for Familial episodic pain syndrome with predominantly lower limb involvement; Hereditary sensory and autonomic neuropathy type 7. Last evaluated: 2025-10-30. Review status: criteria provided, single submitter. Criteria: Invitae Variant Classification Sherloc (09022015). Collection method: clinical testing. Allele origin: germline.
Comment: This sequence change creates a premature translational stop signal (p.Trp1005*) in the SCN11A gene. It is expected to result in an absent or disrupted protein product. However, the current clinical and genetic evidence is not sufficient to establish whether loss-of-function variants in SCN11A cause disease. This variant is present in population databases (rs41285132, gnomAD 0.01%). This variant has not been reported in the literature in individuals affected with SCN11A-related conditions. ClinVar contains an entry for this variant (Variation ID: 488927). Algorithms developed to predict the effect of sequence changes on RNA splicing suggest that this variant may disrupt the consensus splice site. In summary, the available evidence is currently insufficient to determine the role of this variant in disease. Therefore, it has been classified as a Variant of Uncertain Significance.

CeGaT Center for Human Genetics Tuebingen
Classification: Uncertain significance. Last evaluated: 2023-03-01. Review status: criteria provided, single submitter. Criteria: CeGaT Center For Human Genetics Tuebingen Variant Classification Criteria Version 2. Collection method: clinical testing. Allele origin: germline. Affected: yes. Observed: 1 variant allele.

GeneDx
Classification: Uncertain significance. Last evaluated: 2020-05-04. Review status: criteria provided, single submitter. Criteria: GeneDx Variant Classification Process June 2021. Collection method: clinical testing. Allele origin: germline. Affected: yes.
Comment: Nonsense variant predicted to result in protein truncation or nonsense mediated decay in a gene for which loss-of-function is not a known mechanism of disease; Has not been previously published as pathogenic or benign to our knowledge

Ambry Genetics
Classification: Likely benign for Inborn genetic diseases. Last evaluated: 2020-03-04. Review status: criteria provided, single submitter. Criteria: Ambry Variant Classification Scheme 2023. Collection method: clinical testing. Allele origin: germline.

NM_001349253.2(SCN11A):c.3014G>A (p.Trp1005Ter)

Gene: SCN11A (sodium voltage-gated channel alpha subunit 11; minus strand). Cytogenetic location: 3p22.2.
Variant type: single nucleotide variant.
Coding change: c.3014G>A on transcript NM_001349253.2 (MANE Select); coding-DNA position 3014, G replaced by A.
Protein change: p.Trp1005Ter; replaces tryptophan 1005 with a stop codon.
Molecular consequence: nonsense.
Genome position (GRCh38, 1-based): chr3:38,885,338, C>T on the plus strand (G>A on the coding strand, the complement: SCN11A is on the minus strand). VCF-style: chr3-38885338-C-T. GRCh37 (hg19) VCF-style: chr3-38926829-C-T.
Other names: c.3014G>A, p.Trp1005Ter (NM_014139.3); short protein forms W1005*.
Identifiers: ClinVar variation 488927 (VCV000488927.36), dbSNP rs41285132, ClinGen allele CA2321893.